The following is an entry in ClinVar:

ClinVar aggregate classification (germline): Likely benign (1 of 4 stars; one submission).

Allele frequency attached by ClinVar (database versions not stated): gnomAD exomes below 0.00001; gnomAD 0.00001; TOPMed 0.00002; ExAC 0.00005; 1000 Genomes Project 30x 0.00016; 1000 Genomes Project 0.00020.

Submission:

CeGaT Center for Human Genetics Tuebingen
Classification: Likely benign. Last evaluated: 2022-11-01. Review status: criteria provided, single submitter. Criteria: CeGaT Center For Human Genetics Tuebingen Variant Classification Criteria Version 2. Collection method: clinical testing. Allele origin: germline. Affected: yes. Observed: 1 variant allele.
Comment: UBR2: BP4, BP7

NM_001363705.2(UBR2):c.4707A>G (p.Ser1569=)

Gene: UBR2 (ubiquitin protein ligase E3 component n-recognin 2; plus strand). Cytogenetic location: 6p21.1.
Variant type: single nucleotide variant.
Coding change: c.4707A>G on transcript NM_001363705.2 (MANE Select); coding-DNA position 4707, A replaced by G.
Protein change: p.Ser1569=; no amino-acid change (serine 1569 retained).
Molecular consequence: synonymous variant.
Genome position (GRCh38, 1-based): chr6:42,679,821, A>G. VCF-style: chr6-42679821-A-G. GRCh37 (hg19) VCF-style: chr6-42647559-A-G.
Other names: c.4707A>G, p.Ser1569= (NM_015255.3).
Identifiers: ClinVar variation 2656563 (VCV002656563.24), dbSNP rs578211013, ClinGen allele CA3808267.